The following is an entry in ClinVar:

NM_000303.3(PMM2):c.710C>G (p.Thr237Arg)

Gene: PMM2 (phosphomannomutase 2; plus strand). Cytogenetic location: 16p13.2.
Variant type: single nucleotide variant.
Coding change: c.710C>G on transcript NM_000303.3 (MANE Select); coding-DNA position 710, C replaced by G.
Protein change: p.Thr237Arg; replaces threonine 237 with arginine.
Molecular consequence: missense variant.
Genome position (GRCh38, 1-based): chr16:8,847,794, C>G. VCF-style: chr16-8847794-C-G. GRCh37 (hg19) VCF-style: chr16-8941651-C-G.
Other names: short protein forms T237R.
Identifiers: ClinVar variation 7716 (VCV000007716.59), dbSNP rs80338708, ClinGen allele CA220629.

ClinVar aggregate classification (germline): Pathogenic/Likely pathogenic. Review status: criteria provided, multiple submitters, no conflicts (2 of 4 stars). 23 submissions from 23 submitters: Pathogenic (18); Likely pathogenic (2). 3 of the submissions do not count toward it. Last evaluated 2026-02-01.

Conditions:
PMM2-related disorder. Also called: PMM2-related condition.
Inborn genetic diseases. Identifiers: MedGen C0950123, MeSH D030342.
PMM2-congenital disorder of glycosylation. Also called: JAEKEN SYNDROME; CDG Ia; Congenital disorder of glycosylation, type Ia; PHOSPHOMANNOMUTASE 2 DEFICIENCY; CARBOHYDRATE-DEFICIENT GLYCOPROTEIN SYNDROME, TYPE Ia; PMM2-CDG. Identifiers: Orphanet 79318, MedGen C0349653, MONDO:0008907, OMIM 212065.

Allele frequency attached by ClinVar (database versions not stated): TOPMed 0.00021; 1000 Genomes Project 0.00020; 1000 Genomes Project 30x 0.00016.
gnomAD v4.1: 274 of 1,613,588 alleles (0.017%); highest among the groups gnomAD compares: Non-Finnish European, 0.023%; no homozygotes.

Submissions 1 to 14 of 23:

Labcorp Genetics (formerly Invitae), Labcorp
Classification: Pathogenic for PMM2-congenital disorder of glycosylation. Last evaluated: 2026-02-01. Review status: criteria provided, single submitter. Criteria: Invitae Variant Classification Sherloc (09022015). Collection method: clinical testing. Allele origin: germline.
Comment: This sequence change replaces threonine, which is neutral and polar, with arginine, which is basic and polar, at codon 237 of the PMM2 protein (p.Thr237Arg). This variant is present in population databases (rs80338708, gnomAD 0.03%). This missense change has been observed in individuals with PMM2-CDG (PMID: 9497260, 10602363, 15714316, 25355454, 25497157). ClinVar contains an entry for this variant (Variation ID: 7716). Invitae Evidence Modeling of protein sequence and biophysical properties (such as structural, functional, and spatial information, amino acid conservation, physicochemical variation, residue mobility, and thermodynamic stability) indicates that this missense variant is expected to disrupt PMM2 protein function with a positive predictive value of 95%. Experimental studies have shown that this missense change affects PMM2 function (PMID: 10602363). This variant disrupts the p.Thr237 amino acid residue in PMM2. Other variant(s) that disrupt this residue have been determined to be pathogenic (PMID: 9497260, 11156536, 11589167, 11891694, 15714316). This suggests that this residue is clinically significant, and that variants that disrupt this residue are likely to be disease-causing. For these reasons, this variant has been classified as Pathogenic.

PreventionGenetics, part of Exact Sciences
Classification: Pathogenic for PMM2-related condition. Last evaluated: 2025-11-26. Review status: criteria provided, single submitter. Criteria: ACMG Guidelines, 2015. Collection method: clinical testing. Allele origin: germline.
Comment: The PMM2 c.710C>G variant is predicted to result in the amino acid substitution p.Thr237Arg. This variant has been reported in the compound heterozygous state in multiple individuals with congenital disorder of glycosylation 1a (Matthijs et al. 1998. PubMed ID: 9497260; Aronica et al. 2005. PubMed ID: 15714316; Starosta et al. 2021. PubMed ID: 33413482; Le Bizec et al. 2005. PubMed ID: 15844218; Barone et al. 2014. PubMed ID: 25355454). This variant is reported in 0.029% of alleles in individuals of European (Non-Finnish) descent in gnomAD. This variant is interpreted as pathogenic.

Natera, Inc.
Classification: Pathogenic for Congenital disorder of glycosylation type 1a. Last evaluated: 2025-11-10. Review status: criteria provided, single submitter. Criteria: Natera Variant Classification Schema (03/2026). Collection method: clinical testing. Allele origin: germline.
Comment: The c.710C>G variant in PMM2 is a missense variant predicted to cause substitution of threonine to arginine at amino acid 237. This variant is rare in the general population with a frequency below the threshold expected for the associated phenotype(s). This variant has been observed in one or more individuals affected with the associated recessive disease, as either homozygous or compound heterozygous with a second variant (PMID: 15844218). Computational prediction algorithms indicate this variant is likely to affect gene or protein function. Given the available evidence, this variant is classified as Pathogenic.

Center for Genomic Medicine, Rigshospitalet, Copenhagen University Hospital
Classification: Pathogenic. Last evaluated: 2025-03-04. Review status: criteria provided, single submitter. Criteria: ACMG Guidelines, 2015. Collection method: clinical testing. Allele origin: germline.

Laboratory of Genetics, Children's Clinical University Hospital Latvia
Classification: Pathogenic. Last evaluated: 2025-02-16. Review status: criteria provided, single submitter. Criteria: ACMG Guidelines, 2015. Collection method: clinical testing. Allele origin: germline. Affected: yes.

Blueprint Genetics
Classification: Pathogenic for PMM2-related disorders. Last evaluated: 2024-10-22. Review status: criteria provided, single submitter. Criteria: ACMG Guidelines, 2015. Collection method: clinical testing. Allele origin: germline. Affected: yes. Observed: 5 variant alleles.

Laboratory of Medical Genetics, National & Kapodistrian University of Athens
Classification: Pathogenic for PMM2-congenital disorder of glycosylation. Last evaluated: 2022-06-28. Review status: criteria provided, single submitter. Criteria: ACMG Guidelines, 2015. Collection method: clinical testing. Allele origin: germline. Affected: yes.
Comment: PS4, PM1, PM2, PM5, PP2, PP3, PP5

GeneDx
Classification: Pathogenic. Last evaluated: 2021-11-11. Review status: criteria provided, single submitter. Criteria: GeneDx Variant Classification Process June 2021. Collection method: clinical testing. Allele origin: germline. Affected: yes.
Comment: Published functional studies demonstrate a damaging effect (Kjaergaard et al., 1999); In silico analysis supports that this missense variant has a deleterious effect on protein structure/function; This variant is associated with the following publications: (PMID: 9497260, 15714316, 11058896, 15844218, 1058895, 11156536, 20638314, 23988505, 10602363, 32304219, 31980526, 33532864, 33413482, 11409861, 34426522, 31589614, 33643843)

Ambry Genetics
Classification: Pathogenic for Inborn genetic diseases. Last evaluated: 2021-10-09. Review status: criteria provided, single submitter. Criteria: Ambry Variant Classification Scheme 2023. Collection method: clinical testing. Allele origin: germline.
Comment: The c.710C>G (p.T237R) alteration is located in exon 8 (coding exon 8) of the PMM2 gene. This alteration results from a C to G substitution at nucleotide position 710, causing the threonine (T) at amino acid position 237 to be replaced by an arginine (R). Based on data from gnomAD, the G allele has an overall frequency of 0.01% (39/282470) total alleles studied. The highest observed frequency was 0.03% (38/129066) of European (non-Finnish) alleles. This alteration has been reported presumably in trans with another PMM2 alteration in several unrelated individuals with congenital disorder of glycosylation type 1a (Matthijs, 1998; Kjaergaard, 1999; Le Bizec, 2005; Monin, 2014; Barone, 2015; Garc&iacute;a-L&oacute;pez, 2016). In addition, another alteration at this position (p.T237M) has also been reported (Matthijs, 1997; Vega, 2011). This amino acid position is highly conserved in available vertebrate species. In vitro functional studies of the p.T237R variant in E.coli showed no measurable residual PMM2 activity (Kjaergaard, 1999). This alteration is predicted to be deleterious by in silico analysis. Based on the available evidence, this alteration is classified as pathogenic.

Revvity Omics, Revvity
Classification: Pathogenic for PMM2-congenital disorder of glycosylation. Last evaluated: 2021-06-24. Review status: criteria provided, single submitter. Criteria: ACMG Guidelines, 2015. Collection method: clinical testing. Allele origin: germline.

Laboratorio de Genetica e Diagnostico Molecular, Hospital Israelita Albert Einstein
Classification: Pathogenic. Last evaluated: 2020-04-17. Review status: criteria provided, single submitter. Criteria: ACMG Guidelines, 2015. Collection method: clinical testing. Allele origin: germline. Affected: yes.
Comment: ACMG classification criteria: PS3, PS4, PM2, PM3, PP2

Molecular Biology Laboratory, Fundació Puigvert
Classification: Likely pathogenic for PMM2-congenital disorder of glycosylation. Last evaluated: 2020-02-01. Review status: criteria provided, single submitter. Criteria: ACMG Guidelines, 2015. Collection method: research. Allele origin: germline. Affected: yes. Study: KidneyPanel_2020.

Myriad Genetics, Inc.
Classification: Likely pathogenic for PMM2-congenital disorder of glycosylation. Last evaluated: 2020-01-06. Review status: criteria provided, single submitter. Criteria: Myriad Women's Health Autosomal Recessive and X-Linked Classification Criteria (2019). Collection method: clinical testing. Allele origin: unknown.
Comment: NM_000303.2(PMM2):c.710C>G(T237R) is classified as likely pathogenic in the context of congenital disorder of glycosylation type Ia. Sources cited for classification include the following: PMID 10602363, 17920054, 25355454 and 11058895. Classification of NM_000303.2(PMM2):c.710C>G(T237R) is based on the following criteria: This variant has been observed more frequently in patients with clinical diagnoses than in healthy populations. Please note: this variant was assessed in the context of healthy population screening.

Fulgent Genetics
Classification: Pathogenic for PMM2-congenital disorder of glycosylation. Last evaluated: 2018-10-31. Review status: criteria provided, single submitter. Criteria: ACMG Guidelines, 2015. Collection method: clinical testing. Allele origin: unknown.